The following is an entry in ClinVar:

ClinVar aggregate classification (germline): Pathogenic (1 of 4 stars; one submission).

Conditions:
Peutz-Jeghers syndrome (PJS). Also called: POLYPOSIS, HAMARTOMATOUS INTESTINAL; POLYPS-AND-SPOTS SYNDROME; Peutz-Jeghers polyposis; Periorificial lentiginosis syndrome. Identifiers: Orphanet 2869, MedGen C0031269, MeSH D010580, MONDO:0008280, OMIM 175200.

Submission:

Myriad Genetics, Inc.
Classification: Pathogenic for Peutz-Jeghers syndrome. Last evaluated: 2025-09-08. Review status: criteria provided, single submitter. Criteria: Myriad Autosomal Dominant, Autosomal Recessive and X-Linked Classification Criteria (2023). Collection method: clinical testing. Allele origin: unknown.
Comment: This variant is considered pathogenic. This variant creates a frameshift predicted to result in premature protein truncation.

NM_000455.5(STK11):c.1118del (p.Pro373fs)

Gene: STK11 (serine/threonine kinase 11; plus strand). Cytogenetic location: 19p13.3.
Variant type: Deletion.
Coding change: c.1118del on transcript NM_000455.5 (MANE Select); coding-DNA position 1118, one base deleted (C; older notation c.1118delC).
Protein change: p.Pro373fs; shifts the reading frame from proline 373.
Molecular consequence: frameshift variant. On other transcripts: non-coding transcript variant (1).
Genome position (GRCh38, 1-based): chr19:1,226,463, C deleted; the last of 3 consecutive C bases (chr19:1,226,461-1,226,463); deleting any one gives the same sequence. VCF-style (leftmost placement, unchanged base first): chr19-1226460-TC-T. GRCh37 (hg19) VCF-style: chr19-1226459-TC-T.
Other names: short protein forms P373fs.
Identifiers: ClinVar variation 4294265 (VCV004294265.1).
Genomic context (GRCh38, chr19:1,226,460, plus strand): 5'-TGGCTCTGGGGTTGCGCCCCTCAGCTCAGGCCACACTTGCCGTCTCCCTCCCAGGACAGG[TC>T]CCAGAAGAGGAGGCCAGTCACAATGGACAGCGCCGGGGCCTCCCCAAGGCCGTGTGTATG-3'